The following is an entry in ClinVar:

NM_033004.4(NLRP1):c.2322G>A (p.Gln774=)

Gene: NLRP1 (NLR family pyrin domain containing 1; minus strand). Cytogenetic location: 17p13.2.
Variant type: single nucleotide variant.
Coding change: c.2322G>A on transcript NM_033004.4 (MANE Select); coding-DNA position 2322, G replaced by A.
Protein change: p.Gln774=; no amino-acid change (glutamine 774 retained).
Molecular consequence: synonymous variant.
Genome position (GRCh38, 1-based): chr17:5,558,374, C>T on the plus strand (G>A on the coding strand, the complement: NLRP1 is on the minus strand). VCF-style: chr17-5558374-C-T. GRCh37 (hg19) VCF-style: chr17-5461694-C-T.
Other names: c.2322G>A, p.Gln774= (NM_001033053.3, NM_014922.5, NM_033006.4 and 1 more transcripts).
Identifiers: ClinVar variation 730828 (VCV000730828.12), dbSNP rs139871060, ClinGen allele CA8327212.
Genomic context (GRCh38, chr17:5,558,374, plus strand): 5'-AGACATGGGTGGTTTGGGTACTCACAGGACTACCATGGTGGGGCTCCATGTTGATCTGTG[C>T]TGCCTGCCCTCAATCAGCTGAAGCTTCTTCACGTGGCGGCTGAATTTAATGCAGAAAGTG-3'
Protein context (NP_127497.1, residues 764-784): VKKLQLIEGR[Gln774=]HRSTWSPTMV

ClinVar aggregate classification (germline): Likely benign. Review status: criteria provided, multiple submitters, no conflicts (2 of 4 stars). 3 submissions from 3 submitters: Likely benign (2). 1 of the submissions does not count toward it. Last evaluated 2026-01-24.

Conditions:
NLRP1-related disorder. Also called: NLRP1-related condition.

Allele frequency attached by ClinVar (database versions not stated): gnomAD exomes 0.00018 and 0.00021; 1000 Genomes Project 0.00020; ExAC 0.00021; gnomAD 0.00021; ESP Exome Variant Server 0.00023; TOPMed 0.00023; 1000 Genomes Project 30x 0.00031.
gnomAD v4.1: 328 of 1,613,054 alleles (0.02%); highest among the groups gnomAD compares: Admixed American, 0.037%; no homozygotes.

Submissions (3):

Labcorp Genetics (formerly Invitae), Labcorp
Classification: Likely benign. Last evaluated: 2026-01-24. Review status: criteria provided, single submitter. Criteria: Invitae Variant Classification Sherloc (09022015). Collection method: clinical testing. Allele origin: germline.

Blueprint Genetics
Classification: Likely benign. Last evaluated: 2024-11-01. Review status: criteria provided, single submitter. Criteria: ACMG Guidelines, 2015. Collection method: clinical testing. Allele origin: germline.

PreventionGenetics, part of Exact Sciences
Classification: Likely benign for NLRP1-related condition. Last evaluated: 2019-11-21. Review status: no assertion criteria provided. Collection method: clinical testing. Allele origin: germline. Not counted in ClinVar's aggregate classification.
Comment: This variant is classified as likely benign based on ACMG/AMP sequence variant interpretation guidelines (Richards et al. 2015 PMID: 25741868, with internal and published modifications).